The following is an entry in ClinVar:

ClinVar aggregate classification (germline): Conflicting classifications of pathogenicity. Review status: criteria provided, conflicting classifications (1 of 4 stars). 3 submissions from 3 submitters: Uncertain significance (2); Benign (1). Last evaluated 2025-03-03.

Conditions:
Inborn genetic diseases. Identifiers: MedGen C0950123, MeSH D030342.

Allele frequency attached by ClinVar (database versions not stated): gnomAD below 0.00001 and 0.00001; TOPMed 0.00001; gnomAD exomes 0.00005 and 0.00012; ExAC 0.00010.
gnomAD v4.1: 71 of 1,613,916 alleles (0.0044%); highest among the groups gnomAD compares: South Asian, 0.076%; 1 homozygote.

Submissions (3):

Ambry Genetics
Classification: Uncertain significance for Inborn genetic diseases. Last evaluated: 2025-03-03. Review status: criteria provided, single submitter. Criteria: Ambry Variant Classification Scheme 2023. Collection method: clinical testing. Allele origin: germline.

Blueprint Genetics
Classification: Benign. Last evaluated: 2024-10-04. Review status: criteria provided, single submitter. Criteria: ACMG Guidelines, 2015. Collection method: clinical testing. Allele origin: germline.

Labcorp Genetics (formerly Invitae), Labcorp
Classification: Uncertain significance. Last evaluated: 2021-09-01. Review status: criteria provided, single submitter. Criteria: Invitae Variant Classification Sherloc (09022015). Collection method: clinical testing. Allele origin: germline.
Comment: This sequence change replaces alanine with threonine at codon 744 of the ADAM9 protein (p.Ala744Thr). The alanine residue is moderately conserved and there is a small physicochemical difference between alanine and threonine. This variant is present in population databases (rs780740542, ExAC 0.07%). This variant has not been reported in the literature in individuals affected with ADAM9-related conditions. Algorithms developed to predict the effect of missense changes on protein structure and function output the following: SIFT: "Tolerated"; PolyPhen-2: "Benign"; Align-GVGD: "Class C0". The threonine amino acid residue is found in multiple mammalian species, which suggests that this missense change does not adversely affect protein function. In summary, the available evidence is currently insufficient to determine the role of this variant in disease. Therefore, it has been classified as a Variant of Uncertain Significance.

NM_003816.3(ADAM9):c.2230G>A (p.Ala744Thr)

Gene: ADAM9 (ADAM metallopeptidase domain 9; plus strand). Cytogenetic location: 8p11.22.
Variant type: single nucleotide variant.
Coding change: c.2230G>A on transcript NM_003816.3 (MANE Select); coding-DNA position 2230, G replaced by A.
Protein change: p.Ala744Thr; replaces alanine 744 with threonine.
Molecular consequence: missense variant. On other transcripts: non-coding transcript variant (3).
Genome position (GRCh38, 1-based): chr8:39,091,278, G>A. VCF-style: chr8-39091278-G-A. GRCh37 (hg19) VCF-style: chr8-38948797-G-A.
Other names: short protein forms A744T.
Identifiers: ClinVar variation 965503 (VCV000965503.6), dbSNP rs780740542, ClinGen allele CA4721847.